The following is an entry in ClinVar:

NM_000093.5(COL5A1):c.1412_1430del (p.Pro471fs)

Gene: COL5A1 (collagen type V alpha 1 chain; plus strand). Cytogenetic location: 9q34.3.
Variant type: Deletion.
Coding change: c.1412_1430del on transcript NM_000093.5 (MANE Select); coding-DNA positions 1412 to 1430, 19 bases deleted (CTGGCCCAGAAGGCCCCGC).
Protein change: p.Pro471fs; shifts the reading frame from proline 471.
Molecular consequence: frameshift variant.
Genome position (GRCh38, 1-based): chr9:134,738,496-134,738,514, CTGGCCCAGAAGGCCCCGC deleted; deleting any 19 consecutive bases within chr9:134,738,491-134,738,514 gives the same sequence; the c. name uses the placement nearest the transcript's 3' end. VCF-style (leftmost placement, unchanged base first): chr9-134738490-GCCCGCCTGGCCCAGAAGGC-G. GRCh37 (hg19) VCF-style: chr9-137630336-GCCCGCCTGGCCCAGAAGGC-G.
Other names: c.1412_1430del19, p.Pro471Argfs (NM_000093.4); c.1412_1430del, p.Pro471fs (NM_001278074.1); short protein forms P471fs.
Identifiers: ClinVar variation 4820379 (VCV004820379.1).

ClinVar aggregate classification (germline): Likely pathogenic (1 of 4 stars; one submission).

Conditions:
Cardiovascular phenotype. Identifiers: MedGen CN230736.

Submission:

Molecular Diagnostic Laboratory for Inherited Cardiovascular Disease, Montreal Heart Institute
Classification: Likely pathogenic for Cardiovascular phenotype. Last evaluated: 2025-09-11. Review status: criteria provided, single submitter. Criteria: ACMG Guidelines, 2015. Collection method: clinical testing. Allele origin: germline. Affected: yes.
Comment: PVS1, PM2